The following is an entry in ClinVar:

ClinVar aggregate classification (germline): Uncertain significance (1 of 4 stars; one submission).

Allele frequency attached by ClinVar (database versions not stated): gnomAD exomes below 0.00001; TOPMed below 0.00001; gnomAD 0.00001.
gnomAD v4.1: 7 of 1,303,548 alleles (0.00054%); highest among the groups gnomAD compares: East Asian, 0.015%; no homozygotes.

Submission:

Labcorp Genetics (formerly Invitae), Labcorp
Classification: Uncertain significance. Last evaluated: 2022-02-03. Review status: criteria provided, single submitter. Criteria: Invitae Variant Classification Sherloc (09022015). Collection method: clinical testing. Allele origin: germline.
Comment: In summary, the available evidence is currently insufficient to determine the role of this variant in disease. Therefore, it has been classified as a Variant of Uncertain Significance. Algorithms developed to predict the effect of missense changes on protein structure and function (SIFT, PolyPhen-2, Align-GVGD) all suggest that this variant is likely to be tolerated. This variant has not been reported in the literature in individuals affected with OTOG-related conditions. This variant is present in population databases (no rsID available, gnomAD 0.05%). This sequence change replaces lysine, which is basic and polar, with glutamic acid, which is acidic and polar, at codon 50 of the OTOG protein (p.Lys50Glu).

NM_001292063.2(OTOG):c.94+54A>G

Gene: OTOG (otogelin; plus strand). Cytogenetic location: 11p15.1.
Variant type: single nucleotide variant.
Coding change: c.94+54A>G on transcript NM_001292063.2 (MANE Select); 54 bases into the intron after coding-DNA position 94, A replaced by G.
Molecular consequence: intron variant. On other transcripts: missense variant (1).
Genome position (GRCh38, 1-based): chr11:17,547,520, A>G. VCF-style: chr11-17547520-A-G. GRCh37 (hg19) VCF-style: chr11-17569067-A-G.
Other names: c.148A>G, p.Lys50Glu (NM_001277269.2); short protein forms K50E.
Identifiers: ClinVar variation 1406681 (VCV001406681.9), dbSNP rs1253663735, ClinGen allele CA379806740.